The following is an entry in ClinVar:

ClinVar aggregate classification (germline): Likely benign (1 of 4 stars; one submission).

Conditions:
Ataxia-telangiectasia syndrome (AT). Also called: Ataxia telangiectasia (A-T); Cerebello-oculocutaneous telangiectasia; Immunodeficiency with ataxia telangiectasia; LOUIS-BAR SYNDROME; AT, COMPLEMENTATION GROUP C; ATAXIA-TELANGIECTASIA, FRESNO VARIANT. Identifiers: Orphanet 100, MedGen C0004135, MONDO:0008840, OMIM 208900.

Allele frequency attached by ClinVar (database versions not stated): gnomAD 0.01757 and 0.01614; 1000 Genomes Project 30x 0.01811; 1000 Genomes Project 0.01637; gnomAD exomes 0.00286; TOPMed 0.01847.
gnomAD v4.1: 2,556 of 195,180 alleles (1.3%); highest among the groups gnomAD compares: African/African-American, 5.6%; 61 homozygotes.

Submission:

Illumina Laboratory Services, Illumina
Classification: Likely benign for Ataxia-telangiectasia syndrome. Last evaluated: 2017-04-27. Review status: criteria provided, single submitter. Criteria: ICSL Variant Classification Criteria 13 December 2019. Collection method: clinical testing. Allele origin: germline.
Comment: This variant was observed as part of a predisposition screen in an ostensibly healthy population. A literature search was performed for the gene, cDNA change, and amino acid change (where applicable). No publications were found based on this search. Allele frequency data from public databases allowed determination this variant is unlikely to cause disease. Therefore, this variant is classified as likely benign.

NM_000051.4(ATM):c.*1882C>G

Genes: ATM (ATM serine/threonine kinase; plus strand), C11orf65 (chromosome 11 open reading frame 65; minus strand). Cytogenetic location: 11q22.3.
Variant type: single nucleotide variant.
Coding change: c.*1882C>G on transcript NM_000051.4 (MANE Select); 1882 bases downstream of the stop codon, C replaced by G.
Molecular consequence: 3 prime UTR variant. On other transcripts: intron variant (2).
Genome position (GRCh38, 1-based): chr11:108,367,390, C>G. VCF-style: chr11-108367390-C-G. GRCh37 (hg19) VCF-style: chr11-108238117-C-G.
Other names: c.*1882C>G (NM_001351834.2); c.640+18530G>C (NM_001330368.2); c.694+18530G>C (NM_001351110.2).
Identifiers: ClinVar variation 302275 (VCV000302275.7), dbSNP rs80226715, ClinGen allele CA10633332.